The following is an entry in ClinVar:

NM_130849.4(SLC39A4):c.259del (p.Val87fs)

Gene: SLC39A4 (solute carrier family 39 member 4; minus strand). Cytogenetic location: 8q24.3.
Variant type: Deletion.
Coding change: c.259del on transcript NM_130849.4 (MANE Select); coding-DNA position 259, one base deleted (G; older notation c.259delG).
Protein change: p.Val87fs; shifts the reading frame from valine 87.
Molecular consequence: frameshift variant. On other transcripts: intron variant (1).
Genome position (GRCh38, 1-based): chr8:144,416,025, C deleted on the plus strand (G on the coding strand, the reverse complement: SLC39A4 is on the minus strand); the first of 2 consecutive C bases (chr8:144,416,025-144,416,026); deleting either gives the same sequence. VCF-style (leftmost placement, unchanged base first): chr8-144416024-AC-A. GRCh37 (hg19) VCF-style: chr8-145641408-AC-A.
Other names: c.184del, p.Val62fs (NM_017767.3); c.192+573del (NM_001374839.1); short protein forms V62fs, V87fs.
Identifiers: ClinVar variation 4061771 (VCV004061771.2).
Genomic context (GRCh38, chr8:144,416,024, plus strand): 5'-GGGTTGCTGAGGTACAGGACGGCGGCGGCACTGAGGCGGGCGACGTACCTGGCCTCCAGG[AC>A]CGGGCCCGGGGGCAGCCCTGACCCCTCAGGCTCGCCCAGGCCCAGGGCGTCCTCCACAGA-3'

ClinVar aggregate classification (germline): Likely pathogenic (1 of 4 stars; one submission).

Conditions:
Hereditary acrodermatitis enteropathica (AEZ). Also called: Acrodermatitis enteropathica. Identifiers: Orphanet 37, MedGen C0221036, MONDO:0008713, OMIM 201100.

Submission:

Natera, Inc.
Classification: Likely pathogenic for Acrodermatitis enteropathica. Last evaluated: 2025-04-28. Review status: criteria provided, single submitter. Criteria: Natera Variant Classification Schema (03/2026). Collection method: clinical testing. Allele origin: germline.
Comment: The c.259del variant in SLC39A4 is a frameshift variant predicted to shift the reading frame beginning at codon 87 and leads to a stop codon 50 codons downstream. This variant is expected to result in nonsense mediated decay, truncation, or a dysfunctional protein product. This variant is rare in the general population with a frequency below the threshold expected for the associated phenotype(s). Given the available evidence, this variant is classified as Likely Pathogenic.